The following is an entry in ClinVar:

NM_020686.6(ABAT):c.741G>A (p.Pro247=)

Gene: ABAT (4-aminobutyrate aminotransferase; plus strand). Cytogenetic location: 16p13.2.
Variant type: single nucleotide variant.
Coding change: c.741G>A on transcript NM_020686.6 (MANE Select); coding-DNA position 741, G replaced by A.
Protein change: p.Pro247=; no amino-acid change (proline 247 retained).
Molecular consequence: synonymous variant.
Genome position (GRCh38, 1-based): chr16:8,768,898, G>A. VCF-style: chr16-8768898-G-A. GRCh37 (hg19) VCF-style: chr16-8862755-G-A.
Other names: c.543G>A, p.Pro181= (NM_001386612.1, NM_001386613.1); c.495G>A, p.Pro165= (NM_001386614.1); c.837G>A, p.Pro279= (NM_001386615.1); c.741G>A, p.Pro247= (NM_001386616.1, NM_000663.5, NM_001127448.2 and 7 more transcripts); c.678G>A, p.Pro226= (NM_001386606.1, NM_001386607.1); c.648G>A, p.Pro216= (NM_001386608.1); c.606G>A, p.Pro202= (NM_001386610.1, NM_001386611.1).
Identifiers: ClinVar variation 1102033 (VCV001102033.11), dbSNP rs201170840, ClinGen allele CA7893278.

ClinVar aggregate classification (germline): Likely benign. Review status: criteria provided, multiple submitters, no conflicts (2 of 4 stars). 3 submissions from 3 submitters: Likely benign (3). Last evaluated 2026-07-01.

Conditions:
Gamma-aminobutyric acid transaminase deficiency (GABATD). Also called: GABA transaminase deficiency; Gamma aminobutyrate transaminase deficiency; 4 alpha aminobutyrate transaminase deficiency; GABA aminotransaminase deficiency. Identifiers: Orphanet 2066, MedGen C0342708, MONDO:0013166, OMIM 613163.

Allele frequency attached by ClinVar (database versions not stated): ExAC 0.00008; ESP Exome Variant Server 0.00008; gnomAD exomes 0.00010; 1000 Genomes Project 30x 0.00016; 1000 Genomes Project 0.00020.
gnomAD v4.1: 87 of 1,614,126 alleles (0.0054%); highest among the groups gnomAD compares: East Asian, 0.011%; no homozygotes.

Submissions (3):

CeGaT Center for Human Genetics Tuebingen
Classification: Likely benign. Last evaluated: 2026-07-01. Review status: criteria provided, single submitter. Criteria: CeGaT Center For Human Genetics Tuebingen Variant Classification Criteria Version 2. Collection method: clinical testing. Allele origin: germline. Affected: yes. Observed: 1 variant allele.
Comment: ABAT: BP4, BP7

Labcorp Genetics (formerly Invitae), Labcorp
Classification: Likely benign for Gamma-aminobutyric acid transaminase deficiency. Last evaluated: 2025-06-08. Review status: criteria provided, single submitter. Criteria: Invitae Variant Classification Sherloc (09022015). Collection method: clinical testing. Allele origin: germline.

Blueprint Genetics
Classification: Likely benign. Last evaluated: 2024-06-10. Review status: criteria provided, single submitter. Criteria: ACMG Guidelines, 2015. Collection method: clinical testing. Allele origin: germline.